The following is an entry in ClinVar:

NM_000166.6(GJB1):c.157del (p.Cys53fs)

Gene: GJB1 (gap junction protein beta 1; plus strand). Cytogenetic location: Xq13.1.
Variant type: Deletion.
Coding change: c.157del on transcript NM_000166.6 (MANE Select); coding-DNA position 157, one base deleted (T; older notation c.157delT).
Protein change: p.Cys53fs; shifts the reading frame from cysteine 53.
Molecular consequence: frameshift variant.
Genome position (GRCh38, 1-based): chrX:71,223,864, T deleted. VCF-style (leftmost placement, unchanged base first): chrX-71223863-CT-C. GRCh37 (hg19) VCF-style: chrX-70443713-CT-C.
Other names: c.157del, p.Cys53fs (NM_001097642.3); short protein forms C53fs.
Identifiers: ClinVar variation 2120106 (VCV002120106.4), dbSNP rs2519797920, ClinGen allele CA2580101352.

ClinVar aggregate classification (germline): Pathogenic (1 of 4 stars; one submission).

Conditions:
Charcot-Marie-Tooth Neuropathy X. Identifiers: MedGen CN118851.

Submission:

Labcorp Genetics (formerly Invitae), Labcorp
Classification: Pathogenic for Charcot-Marie-Tooth Neuropathy X. Last evaluated: 2022-04-01. Review status: criteria provided, single submitter. Criteria: Invitae Variant Classification Sherloc (09022015). Collection method: clinical testing. Allele origin: germline.
Comment: This sequence change creates a premature translational stop signal (p.Cys53Alafs*31) in the GJB1 gene. While this is not anticipated to result in nonsense mediated decay, it is expected to disrupt the last 231 amino acid(s) of the GJB1 protein. This variant is not present in population databases (gnomAD no frequency). This variant has not been reported in the literature in individuals affected with GJB1-related conditions. This variant disrupts a region of the GJB1 protein in which other variant(s) (p.Arg220*) have been determined to be pathogenic (PMID: 7477983, 8162049, 9364054, 21291455). This suggests that this is a clinically significant region of the protein, and that variants that disrupt it are likely to be disease-causing. For these reasons, this variant has been classified as Pathogenic.

Literature cited by the submitters: PubMed 7477983; PubMed 8162049; PubMed 9364054; PubMed 21291455.